The following is an entry in ClinVar:

ClinVar aggregate classification (germline): Uncertain significance (1 of 4 stars; one submission).

Submission:

Labcorp Genetics (formerly Invitae), Labcorp
Classification: Uncertain significance. Last evaluated: 2025-11-18. Review status: criteria provided, single submitter. Criteria: Invitae Variant Classification Sherloc (09022015). Collection method: clinical testing. Allele origin: germline.
Comment: This variant, c.99_101dup, results in the insertion of 1 amino acid(s) of the SCARF2 protein (p.Leu34dup), but otherwise preserves the integrity of the reading frame. This variant is present in population databases (rs771400946, gnomAD 0.05%). This variant has not been reported in the literature in individuals affected with SCARF2-related conditions. Experimental studies and prediction algorithms are not available or were not evaluated, and the functional significance of this variant is currently unknown. In summary, the available evidence is currently insufficient to determine the role of this variant in disease. Therefore, it has been classified as a Variant of Uncertain Significance.

NM_182895.5(SCARF2):c.81GCT[8] (p.Leu34dup)

Gene: SCARF2 (scavenger receptor class F member 2; minus strand). Cytogenetic location: 22q11.21.
Variant type: Microsatellite.
Coding change: c.81GCT[8] on transcript NM_182895.5 (MANE Select); eight copies in a row of the 3-base unit GCT starting at c.81; the reference has seven copies in a row; one copy, 3 bases duplicated.
Protein change: p.Leu34dup; duplicates leucine 34.
Molecular consequence: inframe insertion.
Genome position (GRCh38, 1-based): chr22:20,437,654-20,437,656, AGC duplicated on the plus strand (GCT on the coding strand, the reverse complement: SCARF2 is on the minus strand); duplicating any 3 consecutive bases within chr22:20,437,654-20,437,674 gives the same sequence; the position shown is the placement nearest the transcript's 3' end. VCF-style (leftmost placement, unchanged base first): chr22-20437653-G-GAGC. GRCh37 (hg19) VCF-style: chr22-20791940-G-GAGC.
Other names: c.81GCT[8], p.Leu34dup (NM_153334.7).
Identifiers: ClinVar variation 1391775 (VCV001391775.5), dbSNP rs746523771, ClinGen allele CA10112725.